The following is an entry in ClinVar:

ClinVar aggregate classification (germline): Conflicting classifications of pathogenicity. Review status: criteria provided, conflicting classifications (1 of 4 stars). 4 submissions from 4 submitters: Uncertain significance (1); Likely benign (3). Last evaluated 2026-07-27.

Conditions:
Renal tubular dysgenesis. Also called: Renotubular dysgenesis. Identifiers: Orphanet 3033, MedGen C0266313, MONDO:0017609, HP:0008660.
ACE-related disorder. Also called: ACE-related disorders; ACE-related condition.

Allele frequency attached by ClinVar (database versions not stated): gnomAD exomes 0.00006 and 0.00011; ExAC 0.00007; gnomAD 0.00023 and 0.00025; TOPMed 0.00024; ESP Exome Variant Server 0.00038.
gnomAD v4.1: 132 of 1,613,356 alleles (0.0082%); highest among the groups gnomAD compares: Middle Eastern, 0.066%; no homozygotes.

Submissions (4):

PreventionGenetics, part of Exact Sciences
Classification: Likely benign for ACE-related condition. Last evaluated: 2026-07-27. Review status: criteria provided, single submitter. Criteria: ACMG Guidelines, 2015. Collection method: clinical testing. Allele origin: germline.
Comment: This variant is classified as likely benign based on ACMG/AMP sequence variant interpretation guidelines (Richards et al. 2015 PMID: 25741868, with internal and published modifications).

Labcorp Genetics (formerly Invitae), Labcorp
Classification: Likely benign. Last evaluated: 2025-06-18. Review status: criteria provided, single submitter. Criteria: Invitae Variant Classification Sherloc (09022015). Collection method: clinical testing. Allele origin: germline.

CeGaT Center for Human Genetics Tuebingen
Classification: Likely benign. Last evaluated: 2023-06-01. Review status: criteria provided, single submitter. Criteria: CeGaT Center For Human Genetics Tuebingen Variant Classification Criteria Version 2. Collection method: clinical testing. Allele origin: germline. Affected: yes. Observed: 2 variant alleles.
Comment: ACE: BP4, BP7

Illumina Laboratory Services, Illumina
Classification: Uncertain significance for Renal tubular dysgenesis of genetic origin. Last evaluated: 2018-01-13. Review status: criteria provided, single submitter. Criteria: ICSL Variant Classification Criteria 13 December 2019. Collection method: clinical testing. Allele origin: germline.

NM_000789.4(ACE):c.2592C>T (p.Tyr864=)

Gene: ACE (angiotensin I converting enzyme; plus strand). Cytogenetic location: 17q23.3.
Variant type: single nucleotide variant.
Coding change: c.2592C>T on transcript NM_000789.4 (MANE Select); coding-DNA position 2592, C replaced by T.
Protein change: p.Tyr864=; no amino-acid change (tyrosine 864 retained).
Molecular consequence: synonymous variant.
Genome position (GRCh38, 1-based): chr17:63,489,083, C>T. VCF-style: chr17-63489083-C-T. GRCh37 (hg19) VCF-style: chr17-61566444-C-T.
Other names: c.870C>T, p.Tyr290= (NM_001178057.2, NM_152830.3).
Identifiers: ClinVar variation 891163 (VCV000891163.37), dbSNP rs151293350, ClinGen allele CA8700162.